The following is an entry in ClinVar:

NM_001291867.2(NHS):c.277G>T (p.Glu93Ter)

Gene: NHS (NHS actin remodeling regulator; plus strand). Cytogenetic location: Xp22.2.
Variant type: single nucleotide variant.
Coding change: c.277G>T on transcript NM_001291867.2 (MANE Select); coding-DNA position 277, G replaced by T.
Protein change: p.Glu93Ter; replaces glutamic acid 93 with a stop codon.
Molecular consequence: nonsense.
Genome position (GRCh38, 1-based): chrX:17,376,034, G>T. VCF-style: chrX-17376034-G-T. GRCh37 (hg19) VCF-style: chrX-17394157-G-T.
Other names: c.277G>T, p.Glu93Ter (NM_198270.4); short protein forms E93*.
Identifiers: ClinVar variation 463040 (VCV000463040.8), dbSNP rs1341004065, ClinGen allele CA412484409.

ClinVar aggregate classification (germline): Pathogenic (1 of 4 stars; one submission).

Conditions:
Nance-Horan syndrome (NHS). Identifiers: Orphanet 627, MedGen C0796085, MONDO:0010545, OMIM 302350.

Submission:

Labcorp Genetics (formerly Invitae), Labcorp
Classification: Pathogenic for Nance-Horan syndrome. Last evaluated: 2016-11-22. Review status: criteria provided, single submitter. Criteria: Invitae Variant Classification Sherloc (09022015). Collection method: clinical testing. Allele origin: germline.
Comment: While this particular variant has not been reported in the literature, loss-of-function variants in NHS are known to be pathogenic (PMID: 19414485, 14564667). This sequence change creates a premature translational stop signal at codon 93 (p.Glu93*) of the NHS gene. It is expected to result in an absent or disrupted protein product. For these reasons, this variant has been classified as Pathogenic.

Literature cited by the submitters: PubMed 19414485; PubMed 14564667.